The following is an entry in ClinVar:

NM_006506.5(RASA2):c.516G>C (p.Gln172His)

Gene: RASA2 (RAS p21 protein activator 2; plus strand). Cytogenetic location: 3q23.
Variant type: single nucleotide variant.
Coding change: c.516G>C on transcript NM_006506.5 (MANE Select); coding-DNA position 516, G replaced by C.
Protein change: p.Gln172His; replaces glutamine 172 with histidine.
Molecular consequence: missense variant.
Genome position (GRCh38, 1-based): chr3:141,540,598, G>C. VCF-style: chr3-141540598-G-C. GRCh37 (hg19) VCF-style: chr3-141259440-G-C.
Other names: c.516G>C, p.Gln172His (NM_001303245.3, NM_001303246.3); short protein forms Q172H.
Identifiers: ClinVar variation 3691981 (VCV003691981.2).
Genomic context (GRCh38, chr3:141,540,598, plus strand): 5'-AGTTCACCTTGAATTAAAACTGAATGAACTGATAACGGAGAATGGAACTGTATGCCAGCA[G>C]CTTGTTGTACAGTAAGCATTTTTTTTAACCAAAATCAACTAGAAATAATTCTCCATTTTG-3'
Protein context (NP_006497.2, residues 162-182): LITENGTVCQ[Gln172His]LVVHIKACHG

ClinVar aggregate classification (germline): Uncertain significance (1 of 4 stars; one submission).

gnomAD v4.1: 2 of 1,611,474 alleles (0.00012%); highest among the groups gnomAD compares: Non-Finnish European, 0.00017%; no homozygotes.

Submission:

Labcorp Genetics (formerly Invitae), Labcorp
Classification: Uncertain significance. Last evaluated: 2024-05-21. Review status: criteria provided, single submitter. Criteria: Invitae Variant Classification Sherloc (09022015). Collection method: clinical testing. Allele origin: germline.
Comment: This sequence change replaces glutamine, which is neutral and polar, with histidine, which is basic and polar, at codon 172 of the RASA2 protein (p.Gln172His). This variant is not present in population databases (gnomAD no frequency). This variant has not been reported in the literature in individuals affected with RASA2-related conditions. Advanced modeling of protein sequence and biophysical properties (such as structural, functional, and spatial information, amino acid conservation, physicochemical variation, residue mobility, and thermodynamic stability) performed at Invitae indicates that this missense variant is not expected to disrupt RASA2 protein function with a negative predictive value of 80%. In summary, the available evidence is currently insufficient to determine the role of this variant in disease. Therefore, it has been classified as a Variant of Uncertain Significance.